The following is an entry in ClinVar:

NM_001384125.1(BLTP1):c.4916+4T>G

Gene: BLTP1 (bridge-like lipid transfer protein family member 1; plus strand). Cytogenetic location: 4q27.
Variant type: single nucleotide variant.
Coding change: c.4916+4T>G on transcript NM_001384125.1 (MANE Select); 4 bases into the intron after coding-DNA position 4916, T replaced by G.
Molecular consequence: intron variant.
Genome position (GRCh38, 1-based): chr4:122,244,031, T>G. VCF-style: chr4-122244031-T-G. GRCh37 (hg19) VCF-style: chr4-123165186-T-G.
Other names: c.4916+4T>G (NM_015312.4, NM_015312.3).
Identifiers: ClinVar variation 1225939 (VCV001225939.6), dbSNP rs6830417, ClinGen allele CA3066444.

ClinVar aggregate classification (germline): Benign. Review status: criteria provided, single submitter (1 of 4 stars). 2 submissions from 2 submitters: Benign (1). 1 of the submissions does not count toward it. Last evaluated 2021-05-04.

Conditions:
BLTP1-related disorder. Also called: BLTP1-related condition.

Allele frequency attached by ClinVar (database versions not stated): ESP Exome Variant Server 0.03728; gnomAD exomes 0.00350 and 0.01024; ExAC 0.01204; gnomAD 0.03626 and 0.03894; TOPMed 0.04066; 1000 Genomes Project 0.04073; 1000 Genomes Project 30x 0.04497.
gnomAD v4.1: 10,694 of 1,574,112 alleles (0.68%); highest among the groups gnomAD compares: African/African-American, 13%; 641 homozygotes.

Submissions (2):

GeneDx
Classification: Benign. Last evaluated: 2021-05-04. Review status: criteria provided, single submitter. Criteria: GeneDx Variant Classification Process June 2021. Collection method: clinical testing. Allele origin: germline. Affected: yes.

PreventionGenetics, part of Exact Sciences
Classification: Benign for BLTP1-related condition. Last evaluated: 2019-03-19. Review status: no assertion criteria provided. Collection method: clinical testing. Allele origin: germline. Not counted in ClinVar's aggregate classification.
Comment: This variant is classified as benign based on ACMG/AMP sequence variant interpretation guidelines (Richards et al. 2015 PMID: 25741868, with internal and published modifications).